The following is an entry in ClinVar:

ClinVar aggregate classification (germline): Uncertain significance. Review status: criteria provided, multiple submitters, no conflicts (2 of 4 stars). 3 submissions from 3 submitters: Uncertain significance (3). Last evaluated 2025-03-05.

Conditions:
Neurodegeneration, childhood-onset, stress-induced, with variable ataxia and seizures. Identifiers: Orphanet 694922, MedGen C4748527, MONDO:0100095, OMIM 618170.
Inborn genetic diseases. Identifiers: MedGen C0950123, MeSH D030342.

Allele frequency attached by ClinVar (database versions not stated): gnomAD exomes 0.00001; ExAC 0.00002; gnomAD 0.00002.
gnomAD v4.1: 23 of 1,601,200 alleles (0.0014%); highest among the groups gnomAD compares: Middle Eastern, 0.017%; no homozygotes.

Submissions (3):

Next Generation Genetic Polyclinic
Classification: Uncertain significance for Neurodegeneration, childhood-onset, stress-induced, with variable ataxia and seizures. Last evaluated: 2025-03-05. Review status: criteria provided, single submitter. Criteria: ACMG Guidelines, 2015. Collection method: clinical testing. Allele origin: inherited. Affected: yes.
Comment: Our classification of this variant is based on the ACMG guidelines. The variant is extremely rare or absent in population databases, aligning with the proband’s clinical phenotype.

Blueprint Genetics
Classification: Uncertain significance. Last evaluated: 2023-04-05. Review status: criteria provided, single submitter. Criteria: ACMG Guidelines, 2015. Collection method: clinical testing. Allele origin: germline.

Ambry Genetics
Classification: Uncertain significance for Inborn genetic diseases. Last evaluated: 2022-08-11. Review status: criteria provided, single submitter. Criteria: Ambry Variant Classification Scheme 2023. Collection method: clinical testing. Allele origin: germline.

NM_017825.3(ADPRS):c.523C>T (p.Arg175Trp)

Gene: ADPRS (ADP-ribosylserine hydrolase; plus strand). Cytogenetic location: 1p34.3.
Variant type: single nucleotide variant.
Coding change: c.523C>T on transcript NM_017825.3 (MANE Select); coding-DNA position 523, C replaced by T.
Protein change: p.Arg175Trp; replaces arginine 175 with tryptophan.
Molecular consequence: missense variant.
Genome position (GRCh38, 1-based): chr1:36,091,916, C>T. VCF-style: chr1-36091916-C-T. GRCh37 (hg19) VCF-style: chr1-36557517-C-T.
Other names: short protein forms R175W.
Identifiers: ClinVar variation 3090436 (VCV003090436.3), dbSNP rs759989977, ClinGen allele CA764600.